The following is an entry in ClinVar:

NM_004329.3(BMPR1A):c.943G>A (p.Gly315Arg)

Gene: BMPR1A (bone morphogenetic protein receptor type 1A; plus strand). Cytogenetic location: 10q23.2.
Variant type: single nucleotide variant.
Coding change: c.943G>A on transcript NM_004329.3 (MANE Select); coding-DNA position 943, G replaced by A.
Protein change: p.Gly315Arg; replaces glycine 315 with arginine.
Molecular consequence: missense variant.
Genome position (GRCh38, 1-based): chr10:86,919,246, G>A. VCF-style: chr10-86919246-G-A. GRCh37 (hg19) VCF-style: chr10-88679003-G-A.
Other names: p.G315R:GGA>AGA; short protein forms G315R.
Identifiers: ClinVar variation 182069 (VCV000182069.28), dbSNP rs730881435, ClinGen allele CA298520.

ClinVar aggregate classification (germline): Conflicting classifications of pathogenicity. Review status: criteria provided, conflicting classifications (1 of 4 stars). 7 submissions from 7 submitters: Uncertain significance (6); Benign (1). Last evaluated 2026-01-25.

Conditions:
Juvenile polyposis syndrome (JPS). Identifiers: Orphanet 2929, MedGen C0345893, MONDO:0017380, OMIM 174900.
Hereditary cancer-predisposing syndrome. Also called: Tumor predisposition; Hereditary Cancer Syndrome; Hereditary neoplastic syndrome; Neoplastic Syndromes, Hereditary. Identifiers: Orphanet 140162, MedGen C0027672, MeSH D009386, MONDO:0015356.
Polyposis syndrome, hereditary mixed, 2. Identifiers: Orphanet 157794, MedGen C1864730, MONDO:0012405, OMIM 610069.

gnomAD v4.1: 15 of 1,613,928 alleles (0.00093%); highest among the groups gnomAD compares: Non-Finnish European, 0.0013%; no homozygotes.

Submissions (7):

Labcorp Genetics (formerly Invitae), Labcorp
Classification: Uncertain significance for Juvenile polyposis syndrome. Last evaluated: 2026-01-25. Review status: criteria provided, single submitter. Criteria: Invitae Variant Classification Sherloc (09022015). Collection method: clinical testing. Allele origin: germline.
Comment: This sequence change replaces glycine, which is neutral and non-polar, with arginine, which is basic and polar, at codon 315 of the BMPR1A protein (p.Gly315Arg). This variant is present in population databases (rs730881435, gnomAD 0.003%). This missense change has been observed in individual(s) with colorectal cancer (PMID: 28135145). ClinVar contains an entry for this variant (Variation ID: 182069). Invitae Evidence Modeling of protein sequence and biophysical properties (such as structural, functional, and spatial information, amino acid conservation, physicochemical variation, residue mobility, and thermodynamic stability) has been performed for this missense variant. However, the output from this modeling did not meet the statistical confidence thresholds required to predict the impact of this variant on BMPR1A protein function. RNA analysis performed to evaluate the impact of this missense change on mRNA splicing indicates it does not significantly alter splicing (internal data). In summary, the available evidence is currently insufficient to determine the role of this variant in disease. Therefore, it has been classified as a Variant of Uncertain Significance.

Quest Diagnostics Nichols Institute San Juan Capistrano
Classification: Uncertain significance. Last evaluated: 2025-07-25. Review status: criteria provided, single submitter. Criteria: Quest Diagnostics criteria. Collection method: clinical testing. Allele origin: unknown.
Comment: The BMPR1A c.943G>A (p.Gly315Arg) variant has been reported in the published literature in an individual with colorectal cancer (PMID: 28135145 (2017)). The frequency of this variant in the general population (Genome Aggregation Database) is uninformative in the assessment of its pathogenicity. Analysis of this variant using bioinformatics tools for the prediction of the effect of amino acid changes on protein structure and function yielded predictions that this variant is damaging. Based on the available information, we are unable to determine the clinical significance of this variant.

GeneDx
Classification: Uncertain significance. Last evaluated: 2024-11-17. Review status: criteria provided, single submitter. Criteria: GeneDx Variant Classification Process June 2021. Collection method: clinical testing. Allele origin: germline. Affected: yes.
Comment: Not observed at significant frequency in large population cohorts (gnomAD); In silico analysis supports that this missense variant has a deleterious effect on protein structure/function; In silico analysis suggests this variant may impact gene splicing. In the absence of RNA/functional studies, the actual effect of this sequence change is unknown; Observed in individuals with colorectal cancer (PMID: 28135145); This variant is associated with the following publications: (PMID: 28135145)

All of Us Research Program, National Institutes of Health
Classification: Uncertain significance for Juvenile polyposis syndrome. Last evaluated: 2024-05-14. Review status: criteria provided, single submitter. Criteria: ACMG Guidelines, 2015. Collection method: clinical testing. Allele origin: germline. Inheritance: Autosomal dominant inheritance. Observed: 6 variant alleles, 6 heterozygotes.
Comment: This missense variant replaces glycine with arginine at codon 315 of the BMPR1A protein. Computational prediction suggests that this variant may have deleterious impact on protein structure and function (internally defined REVEL score threshold >= 0.7, PMID: 27666373). To our knowledge, functional studies have not been reported for this variant. This variant has been reported in an individual affected with colorectal cancer in the literature (PMID: 28135145). This variant has been identified in 3/251038 chromosomes in the general population by the Genome Aggregation Database (gnomAD). The available evidence is insufficient to determine the role of this variant in disease conclusively. Therefore, this variant is classified as a Variant of Uncertain Significance.

This study involves interpretation of variants in research participants for the purpose of population health screening. Participant phenotype was not available at the time of variant classification. Additional details can be found in publication PMID: 35346344, PMCID: PMC8962531

Color Diagnostics, LLC DBA Color Health
Classification: Uncertain significance for Hereditary cancer-predisposing syndrome. Last evaluated: 2024-05-01. Review status: criteria provided, single submitter. Criteria: ACMG Guidelines, 2015. Collection method: clinical testing. Allele origin: germline.
Comment: This missense variant replaces glycine with arginine at codon 315 of the BMPR1A protein. Computational prediction suggests that this variant may have deleterious impact on protein structure and function (internally defined REVEL score threshold >= 0.7, PMID: 27666373). To our knowledge, functional studies have not been reported for this variant. This variant has been reported in an individual affected with colorectal cancer in the literature (PMID: 28135145). This variant has been identified in 3/251038 chromosomes in the general population by the Genome Aggregation Database (gnomAD). The available evidence is insufficient to determine the role of this variant in disease conclusively. Therefore, this variant is classified as a Variant of Uncertain Significance.

Baylor Genetics
Classification: Uncertain significance for Polyposis syndrome, hereditary mixed, 2. Last evaluated: 2023-12-16. Review status: criteria provided, single submitter. Criteria: ACMG Guidelines, 2015. Collection method: clinical testing. Allele origin: unknown.

Ambry Genetics
Classification: Benign for Hereditary cancer-predisposing syndrome. Last evaluated: 2022-01-28. Review status: criteria provided, single submitter. Criteria: Ambry Variant Classification Scheme 2023. Collection method: clinical testing. Allele origin: germline.

Literature cited by the submitters: PubMed 28135145 (cited by 5 submitters).